The following is an entry in ClinVar:

ClinVar aggregate classification (germline): Uncertain significance (1 of 4 stars; one submission).

gnomAD v4.1: 1 of 1,479,074 alleles (0.000068%); highest among the groups gnomAD compares: Non-Finnish European, 0.000089%; no homozygotes.

Submission:

Labcorp Genetics (formerly Invitae), Labcorp
Classification: Uncertain significance. Last evaluated: 2022-09-14. Review status: criteria provided, single submitter. Criteria: Invitae Variant Classification Sherloc (09022015). Collection method: clinical testing. Allele origin: germline.
Comment: This sequence change replaces glycine, which is neutral and non-polar, with arginine, which is basic and polar, at codon 13 of the GFER protein (p.Gly13Arg). This variant is not present in population databases (gnomAD no frequency). This variant has not been reported in the literature in individuals affected with GFER-related conditions. Algorithms developed to predict the effect of missense changes on protein structure and function output the following: SIFT: "Tolerated"; PolyPhen-2: "Benign"; Align-GVGD: "Class C0". The arginine amino acid residue is found in multiple mammalian species, which suggests that this missense change does not adversely affect protein function. In summary, the available evidence is currently insufficient to determine the role of this variant in disease. Therefore, it has been classified as a Variant of Uncertain Significance.

NM_005262.3(GFER):c.37G>C (p.Gly13Arg)

Genes: GFER (growth factor, augmenter of liver regeneration; plus strand), LOC130058203 (ATAC-STARR-seq lymphoblastoid silent region 7014; plus strand). Cytogenetic location: 16p13.3.
Variant type: single nucleotide variant.
Coding change: c.37G>C on transcript NM_005262.3 (MANE Select); coding-DNA position 37, G replaced by C.
Protein change: p.Gly13Arg; replaces glycine 13 with arginine.
Molecular consequence: missense variant.
Genome position (GRCh38, 1-based): chr16:1,984,255, G>C. VCF-style: chr16-1984255-G-C. GRCh37 (hg19) VCF-style: chr16-2034256-G-C.
Other names: short protein forms G13R.
Identifiers: ClinVar variation 2030463 (VCV002030463.4), dbSNP rs2548268616, ClinGen allele CA394300132.